The following is an entry in ClinVar:

ClinVar aggregate classification (germline): Uncertain significance. Review status: criteria provided, multiple submitters, no conflicts (2 of 4 stars). 2 submissions from 2 submitters: Uncertain significance (2). Last evaluated 2025-06-05.

Conditions:
Multiple endocrine neoplasia, type 1 (MEN1). Also called: MEN I; WERMER SYNDROME; Endocrine adenomatosis multiple; MEN 1; MEA I. Identifiers: Orphanet 652, MedGen C0025267, MeSH D018761, MONDO:0007540, OMIM 131100.

Allele frequency attached by ClinVar (database versions not stated): gnomAD 0.00001.
gnomAD v4.1: 1 of 1,609,244 alleles (0.000062%); highest among the groups gnomAD compares: Non-Finnish European, 0.000085%; no homozygotes.

Submissions (2):

GeneDx
Classification: Uncertain significance. Last evaluated: 2025-06-05. Review status: criteria provided, single submitter. Criteria: GeneDx Variant Classification Process June 2021. Collection method: clinical testing. Allele origin: germline. Affected: yes.
Comment: Not observed at significant frequency in large population cohorts (gnomAD); In silico analysis suggests that this missense variant does not alter protein structure/function; This variant is associated with the following publications: (PMID: 30869828)

Baylor Genetics
Classification: Uncertain significance for Multiple Endocrine Neoplasia Type 1. Last evaluated: 2023-05-05. Review status: criteria provided, single submitter. Criteria: ACMG Guidelines, 2015. Collection method: clinical testing. Allele origin: unknown.

NM_001370259.2(MEN1):c.259G>A (p.Ala87Thr)

Gene: MEN1 (menin 1; minus strand). Cytogenetic location: 11q13.1.
Variant type: single nucleotide variant.
Coding change: c.259G>A on transcript NM_001370259.2 (MANE Select); coding-DNA position 259, G replaced by A.
Protein change: p.Ala87Thr; replaces alanine 87 with threonine.
Molecular consequence: missense variant. On other transcripts: non-coding transcript variant (4).
Genome position (GRCh38, 1-based): chr11:64,809,851, C>T on the plus strand (G>A on the coding strand, the complement: MEN1 is on the minus strand). VCF-style: chr11-64809851-C-T. GRCh37 (hg19) VCF-style: chr11-64577323-C-T.
Other names: c.259G>A, p.Ala87Thr (NM_000244.4, NM_001370251.2, NM_001370260.2 and 20 more transcripts); short protein forms A87T.
Identifiers: ClinVar variation 2676513 (VCV002676513.2), dbSNP rs1440986026, ClinGen allele CA381187539.